The following is an entry in ClinVar:

ClinVar aggregate classification (germline): Conflicting classifications of pathogenicity. Review status: criteria provided, conflicting classifications (1 of 4 stars). 7 submissions from 7 submitters: Uncertain significance (4); Likely benign (1). 2 of the submissions do not count toward it. Last evaluated 2022-06-20.

Conditions:
Cardiovascular phenotype. Identifiers: MedGen CN230736.
Autosomal recessive limb-girdle muscular dystrophy type 2J (LGMDR10). Also called: Limb-girdle muscular dystrophy, type 2J; MUSCULAR DYSTROPHY, LIMB-GIRDLE, AUTOSOMAL RECESSIVE 10. Identifiers: Orphanet 140922, MedGen C1837342, MONDO:0012127, OMIM 608807.
Dilated cardiomyopathy 1G (CMD1G). Identifiers: Orphanet 154, MedGen C1858763, MONDO:0011400, OMIM 604145.

Allele frequency attached by ClinVar (database versions not stated): ExAC 0.00002; gnomAD 0.00003 and 0.00004; gnomAD exomes 0.00004 and 0.00005; TOPMed 0.00004.
gnomAD v4.1: 73 of 1,613,402 alleles (0.0045%); highest among the groups gnomAD compares: Non-Finnish European, 0.0058%; no homozygotes.

Submissions (7):

Women's Health and Genetics/Laboratory Corporation of America, LabCorp
Classification: Uncertain significance. Last evaluated: 2022-06-20. Review status: criteria provided, single submitter. Criteria: LabCorp Variant Classification Summary - May 2015. Collection method: clinical testing. Allele origin: germline.
Comment: Variant summary: TTN c.68293G>A (p.Gly22765Ser) results in a non-conservative amino acid change located in the A-band of the encoded protein sequence. Five of five in-silico tools predict a damaging effect of the variant on protein function. The variant allele was found at a frequency of 3.6e-05 in 248174 control chromosomes. The available data on variant occurrences in the general population are insufficient to allow any conclusion about variant significance. c.68293G>A has been reported in the literature in individuals affected with Dilated Cardiomyopathy. These report(s) do not provide unequivocal conclusions about association of the variant with Dilated Cardiomyopathy. To our knowledge, no experimental evidence demonstrating an impact on protein function has been reported. Two clinical diagnostic laboratories have submitted clinical-significance assessments for this variant to ClinVar after 2014 without evidence for independent evaluation. One laboratory classified the variant as likely benign, and one laboratory classified the variant as uncertain significance. Based on the evidence outlined above, the variant was classified as uncertain significance.

Revvity Omics, Revvity
Classification: Uncertain significance. Last evaluated: 2022-03-23. Review status: criteria provided, single submitter. Criteria: ACMG Guidelines, 2015. Collection method: clinical testing. Allele origin: germline.

Ambry Genetics
Classification: Uncertain significance for Cardiovascular phenotype. Last evaluated: 2020-03-20. Review status: criteria provided, single submitter. Criteria: Ambry Variant Classification Scheme 2023. Collection method: clinical testing. Allele origin: germline.
Comment: The p.G16268S variant (also known as c.48802G>A), located in coding exon 153 of the TTN gene, results from a G to A substitution at nucleotide position 48802. The glycine at codon 16268 is replaced by serine, an amino acid with similar properties. This amino acid position is highly conserved in available vertebrate species. In addition, the in silico prediction for this alteration is inconclusive. Since supporting evidence is limited at this time, the clinical significance of this alteration remains unclear.

GeneDx
Classification: Likely benign. Last evaluated: 2019-10-01. Review status: criteria provided, single submitter. Criteria: GeneDx Variant Classification Process June 2021. Collection method: clinical testing. Allele origin: germline. Affected: yes.

Labcorp Genetics (formerly Invitae), Labcorp
Classification: Uncertain significance for Dilated cardiomyopathy 1G; Autosomal recessive limb-girdle muscular dystrophy type 2J. Last evaluated: 2017-06-20. Review status: criteria provided, single submitter. Criteria: Invitae Variant Classification Sherloc (09022015). Collection method: clinical testing. Allele origin: germline.

Genome Diagnostics Laboratory, University Medical Center Utrecht
Classification: Uncertain significance. Review status: no assertion criteria provided. Collection method: clinical testing. Allele origin: germline. Affected: yes. Study: VKGL Data-share Consensus. Not counted in ClinVar's aggregate classification.

Joint Genome Diagnostic Labs from Nijmegen and Maastricht, Radboudumc and MUMC+
Classification: Uncertain significance. Review status: no assertion criteria provided. Collection method: clinical testing. Allele origin: germline. Affected: yes. Study: VKGL Data-share Consensus. Not counted in ClinVar's aggregate classification.

Literature cited by the submitters: PubMed 30531895 (cited by Women's Health and Genetics/Laboratory Corporation of America, LabCorp).

NM_001267550.2(TTN):c.75997G>A (p.Gly25333Ser)

Genes: TTN (titin; minus strand), TTN-AS1 (TTN antisense RNA 1; plus strand). Cytogenetic location: 2q31.2.
Variant type: single nucleotide variant.
Coding change: c.75997G>A on transcript NM_001267550.2 (MANE Select); coding-DNA position 75997, G replaced by A.
Protein change: p.Gly25333Ser; replaces glycine 25333 with serine.
Molecular consequence: missense variant.
Genome position (GRCh38, 1-based): chr2:178,570,135, C>T on the plus strand (G>A on the coding strand, the complement: TTN is on the minus strand). VCF-style: chr2-178570135-C-T. GRCh37 (hg19) VCF-style: chr2-179434862-C-T.
Other names: c.71074G>A, p.Gly23692Ser (NM_001256850.1); c.48802G>A, p.Gly16268Ser (NM_003319.4); c.68293G>A, p.Gly22765Ser (NM_133378.4); c.49177G>A, p.Gly16393Ser (NM_133432.3); c.49378G>A, p.Gly16460Ser (NM_133437.4); short protein forms G25333S, G23692S, G22765S, G16393S, G16460S, G16268S.
Identifiers: ClinVar variation 238844 (VCV000238844.12), dbSNP rs757343393, ClinGen allele CA1989970.
Genomic context (GRCh38, chr2:178,570,135, plus strand): 5'-TTGTCCATCTAATGCCTTCTTTATCCCGTTTCTCAAGAACATATCCAAGAATTTCACTAC[C>T]ACCATCAGATGCTGGTCTTTCCCATACAACAATCATTGAGTCCTTGGTCACTGTTGTGAC-3'
Protein context (NP_001254479.2, residues 25323-25343): VVWERPASDG[Gly25333Ser]SEILGYVLEK